The following is an entry in ClinVar:

NM_144687.4(NLRP12):c.1587C>G (p.Asp529Glu)

Gene: NLRP12 (NLR family pyrin domain containing 12; minus strand). Cytogenetic location: 19q13.42.
Variant type: single nucleotide variant.
Coding change: c.1587C>G on transcript NM_144687.4 (MANE Select); coding-DNA position 1587, C replaced by G.
Protein change: p.Asp529Glu; replaces aspartic acid 529 with glutamic acid.
Molecular consequence: missense variant.
Genome position (GRCh38, 1-based): chr19:53,810,072, G>C on the plus strand (C>G on the coding strand, the complement: NLRP12 is on the minus strand). VCF-style: chr19-53810072-G-C. GRCh37 (hg19) VCF-style: chr19-54313326-G-C.
Other names: p.Asp529Glu; c.1587C>G, p.Asp529Glu (NM_001277126.2, NM_001277129.1); c.1587C>G (NM_144687.2); short protein forms D529E.
Identifiers: ClinVar variation 578713 (VCV000578713.15), dbSNP rs781712648, ClinGen allele CA9639397.

ClinVar aggregate classification (germline): Uncertain significance. Review status: criteria provided, multiple submitters, no conflicts (2 of 4 stars). 4 submissions from 4 submitters: Uncertain significance (4). Last evaluated 2025-10-16.

Conditions:
Inborn genetic diseases. Identifiers: MedGen C0950123, MeSH D030342.
Autoinflammatory syndrome. Identifiers: Orphanet 93665, MedGen C3890737, MONDO:0019751.
Familial cold autoinflammatory syndrome 2 (FCAS2). Identifiers: Orphanet 247868, MedGen C2673198, MONDO:0012724, OMIM 611762.

Allele frequency attached by ClinVar (database versions not stated): TOPMed 0.00006.
gnomAD v4.1: 43 of 1,614,072 alleles (0.0027%); highest among the groups gnomAD compares: Middle Eastern, 0.033%; no homozygotes.

Submissions (4):

Labcorp Genetics (formerly Invitae), Labcorp
Classification: Uncertain significance for Familial cold autoinflammatory syndrome 2. Last evaluated: 2025-10-16. Review status: criteria provided, single submitter. Criteria: Invitae Variant Classification Sherloc (09022015). Collection method: clinical testing. Allele origin: germline.
Comment: This sequence change replaces aspartic acid, which is acidic and polar, with glutamic acid, which is acidic and polar, at codon 529 of the NLRP12 protein (p.Asp529Glu). This variant is present in population databases (rs781712648, gnomAD 0.02%). This variant has not been reported in the literature in individuals affected with NLRP12-related conditions. ClinVar contains an entry for this variant (Variation ID: 578713). An algorithm developed to predict the effect of missense changes on protein structure and function outputs the following: PolyPhen-2: "Benign". The glutamic acid amino acid residue is found in multiple mammalian species, which suggests that this missense change does not adversely affect protein function. In summary, the available evidence is currently insufficient to determine the role of this variant in disease. Therefore, it has been classified as a Variant of Uncertain Significance.

Ambry Genetics
Classification: Uncertain significance for Inborn genetic diseases. Last evaluated: 2024-10-08. Review status: criteria provided, single submitter. Criteria: Ambry Variant Classification Scheme 2023. Collection method: clinical testing. Allele origin: germline.

Mayo Clinic Laboratories, Mayo Clinic
Classification: Uncertain significance. Last evaluated: 2022-03-16. Review status: criteria provided, single submitter. Criteria: ACMG Guidelines, 2015. Collection method: clinical testing. Allele origin: germline. Observed: 2 variant alleles.
Comment: BP4

Genome Diagnostics Laboratory, The Hospital for Sick Children
Classification: Uncertain significance for Autoinflammatory syndrome. Last evaluated: 2020-02-01. Review status: criteria provided, single submitter. Criteria: ACMG Guidelines, 2015. Collection method: clinical testing. Allele origin: germline. Affected: yes.